The following is an entry in ClinVar:

ClinVar aggregate classification (germline): Likely benign (1 of 4 stars; one submission).

Allele frequency attached by ClinVar (database versions not stated): TOPMed 0.00017; gnomAD 0.00022.
gnomAD v4.1: 32 of 151,856 alleles (0.021%); highest among the groups gnomAD compares: African/African-American, 0.056%; no homozygotes.

Submission:

CeGaT Center for Human Genetics Tuebingen
Classification: Likely benign. Last evaluated: 2024-07-01. Review status: criteria provided, single submitter. Criteria: CeGaT Center For Human Genetics Tuebingen Variant Classification Criteria Version 2. Collection method: clinical testing. Allele origin: germline. Affected: yes. Observed: 1 variant allele.
Comment: PRIM1: BP4, BP7

NM_000946.3(PRIM1):c.983-728C>T

Gene: PRIM1 (DNA primase subunit 1; minus strand). Cytogenetic location: 12q13.3.
Variant type: single nucleotide variant.
Coding change: c.983-728C>T on transcript NM_000946.3 (MANE Select); 728 bases into the intron before coding-DNA position 983, C replaced by T.
Molecular consequence: intron variant.
Genome position (GRCh38, 1-based): chr12:56,740,091, G>A on the plus strand (C>T on the coding strand, the complement: PRIM1 is on the minus strand). VCF-style: chr12-56740091-G-A. GRCh37 (hg19) VCF-style: chr12-57133875-G-A.
Identifiers: ClinVar variation 3250902 (VCV003250902.18), dbSNP rs771826619.